The following is an entry in ClinVar:

NM_001303256.3(MORC2):c.1164C>G (p.Ser388Arg)

Gene: MORC2 (MORC family CW-type zinc finger 2; minus strand). Cytogenetic location: 22q12.2.
Variant type: single nucleotide variant.
Coding change: c.1164C>G on transcript NM_001303256.3 (MANE Select); coding-DNA position 1164, C replaced by G.
Protein change: p.Ser388Arg; replaces serine 388 with arginine.
Molecular consequence: missense variant.
Genome position (GRCh38, 1-based): chr22:30,938,115, G>C on the plus strand (C>G on the coding strand, the complement: MORC2 is on the minus strand). VCF-style: chr22-30938115-G-C. GRCh37 (hg19) VCF-style: chr22-31334102-G-C.
Other names: c.1164C>G, p.Ser388Arg (NM_001303257.2); c.978C>G, p.Ser326Arg (NM_014941.3); short protein forms S326R, S388R.
Identifiers: ClinVar variation 804304 (VCV000804304.1), dbSNP rs1602485958, ClinGen allele CA411239340.
Genomic context (GRCh38, chr22:30,938,115, plus strand): 5'-TAGTACTCACATGCCCCCTTCCAGCTGTGGGCCCACTTTCTCATACATTTTGATCAGTCG[G>C]CTACAGTTGTAGATGAACATGCCATCCAGATCCCGGTGTTCAATGTTGACACCAAAAACA-3'
Protein context (NP_001290185.1, residues 378-398): DLDGMFIYNC[Ser388Arg]RLIKMYEKVG

ClinVar aggregate classification (germline): Likely pathogenic (1 of 4 stars; one submission).

Submission:

GeneDx
Classification: Likely pathogenic. Last evaluated: 2019-10-14. Review status: criteria provided, single submitter. Criteria: GeneDx Variant Classification (06012015). Collection method: clinical testing. Allele origin: germline. Affected: yes.
Comment: The S388R variant in the MORC2 gene has been observed as a de novo variant in internal GeneDx whole exome sequencing data in association with developmental delay, hearing loss, short stature, microcephaly, hypotonia, and dysmorphic features. The S388R variant is not observed in large population cohorts (Lek et al., 2016). In silico analysis, which includes protein predictors and evolutionary conservation, supports a deleterious effect. Therefore, we interpret S388R as a likely pathogenic variant.